The following is an entry in ClinVar:

NC_000001.10:g.(?_218520044)_(220986760_?)del

Genes: MIR194-1 (microRNA 194-1; minus strand), MARK1 (microtubule affinity regulating kinase 1; plus strand), IARS2 (isoleucyl-tRNA synthetase 2, mitochondrial; plus strand), BPNT1 (3'(2'), 5'-bisphosphate nucleotidase 1; minus strand), TGFB2 (transforming growth factor beta 2; plus strand) and 8 more. Cytogenetic location: 1q41.
Variant type: Deletion.
Identifiers: ClinVar variation 2425804 (VCV002425804.2).

ClinVar aggregate classification (germline): Pathogenic (1 of 4 stars; one submission).

Conditions:
Warburg micro syndrome 2 (WARBM2). Also called: MICRO SYNDROME 2. Identifiers: Orphanet 2510, MedGen C3280214, MONDO:0013641, OMIM 614225.
Martsolf syndrome (MARTS). Also called: Congenital cataract with intellectual disability and hypogonadotropic hypogonadism syndrome. Identifiers: Orphanet 1387, MedGen C0796037, MONDO:0023910.

Submission:

Labcorp Genetics (formerly Invitae), Labcorp
Classification: Pathogenic for Martsolf syndrome; Warburg micro syndrome 2. Last evaluated: 2022-06-27. Review status: criteria provided, single submitter. Criteria: Invitae Variant Classification Sherloc (09022015). Collection method: clinical testing. Allele origin: germline.
Comment: A gross deletion of the genomic region encompassing the full coding sequence of the RAB3GAP2 gene has been identified. Loss-of-function variants in RAB3GAP2 are known to be pathogenic (PMID: 23420520). The boundaries of this event are unknown as they extend beyond the assayed region for this gene and therefore may encompass additional genes. This variant has not been reported in the literature in individuals affected with RAB3GAP2-related conditions. For these reasons, this variant has been classified as Pathogenic.

Literature cited by the submitters: PubMed 23420520.